The following is an entry in ClinVar:

NM_133259.4(LRPPRC):c.1051G>T (p.Glu351Ter)

Gene: LRPPRC (leucine rich pentatricopeptide repeat containing; minus strand). Cytogenetic location: 2p21.
Variant type: single nucleotide variant.
Coding change: c.1051G>T on transcript NM_133259.4 (MANE Select); coding-DNA position 1051, G replaced by T.
Protein change: p.Glu351Ter; replaces glutamic acid 351 with a stop codon.
Molecular consequence: nonsense.
Genome position (GRCh38, 1-based): chr2:43,974,254, C>A on the plus strand (G>T on the coding strand, the complement: LRPPRC is on the minus strand). VCF-style: chr2-43974254-C-A. GRCh37 (hg19) VCF-style: chr2-44201393-C-A.
Other names: short protein forms E351*.
Identifiers: ClinVar variation 1356002 (VCV001356002.6), dbSNP rs761470523, ClinGen allele CA1639111.

ClinVar aggregate classification (germline): Pathogenic (1 of 4 stars; one submission).

Allele frequency attached by ClinVar (database versions not stated): ExAC 0.00001.
gnomAD v4.1: 6 of 1,611,892 alleles (0.00037%); highest among the groups gnomAD compares: Non-Finnish European, 0.00051%; no homozygotes.

Submission:

Labcorp Genetics (formerly Invitae), Labcorp
Classification: Pathogenic. Last evaluated: 2021-06-02. Review status: criteria provided, single submitter. Criteria: Invitae Variant Classification Sherloc (09022015). Collection method: clinical testing. Allele origin: germline.
Comment: This sequence change creates a premature translational stop signal (p.Glu351*) in the LRPPRC gene. It is expected to result in an absent or disrupted protein product. Loss-of-function variants in LRPPRC are known to be pathogenic (PMID: 26510951). This variant is present in population databases (rs761470523, ExAC 0.001%). This variant has not been reported in the literature in individuals with LRPPRC-related conditions. Algorithms developed to predict the effect of sequence changes on RNA splicing suggest that this variant may create or strengthen a splice site, but this prediction has not been confirmed by published transcriptional studies. For these reasons, this variant has been classified as Pathogenic.

Literature cited by the submitters: PubMed 26510951.